The following is an entry in ClinVar:

ClinVar aggregate classification (germline): Uncertain significance (1 of 4 stars; one submission).

Conditions:
Duchenne muscular dystrophy (DMD). Also called: MUSCULAR DYSTROPHY, PSEUDOHYPERTROPHIC PROGRESSIVE, DUCHENNE TYPE; Duchenne Muscular Dystrophy (DMD). Identifiers: Orphanet 98896, MedGen C0013264, MONDO:0010679, OMIM 310200.

Allele frequency attached by ClinVar (database versions not stated): ExAC 0.00001.

Submission:

Labcorp Genetics (formerly Invitae), Labcorp
Classification: Uncertain significance for Duchenne muscular dystrophy. Last evaluated: 2023-04-26. Review status: criteria provided, single submitter. Criteria: Invitae Variant Classification Sherloc (09022015). Collection method: clinical testing. Allele origin: germline.
Comment: In summary, the available evidence is currently insufficient to determine the role of this variant in disease. Therefore, it has been classified as a Variant of Uncertain Significance. Advanced modeling of protein sequence and biophysical properties (such as structural, functional, and spatial information, amino acid conservation, physicochemical variation, residue mobility, and thermodynamic stability) performed at Invitae indicates that this missense variant is not expected to disrupt DMD protein function. This variant has not been reported in the literature in individuals affected with DMD-related conditions. The frequency data for this variant in the population databases is considered unreliable, as metrics indicate poor data quality at this position in the gnomAD database. This sequence change replaces glycine, which is neutral and non-polar, with aspartic acid, which is acidic and polar, at codon 2501 of the DMD protein (p.Gly2501Asp).

NM_004006.3(DMD):c.7502G>A (p.Gly2501Asp)

Gene: DMD (dystrophin; minus strand). Cytogenetic location: Xp21.1.
Variant type: single nucleotide variant.
Coding change: c.7502G>A on transcript NM_004006.3 (MANE Select); coding-DNA position 7502, G replaced by A.
Protein change: p.Gly2501Asp; replaces glycine 2501 with aspartic acid.
Molecular consequence: missense variant.
Genome position (GRCh38, 1-based): chrX:31,774,000, C>T on the plus strand (G>A on the coding strand, the complement: DMD is on the minus strand). VCF-style: chrX-31774000-C-T. GRCh37 (hg19) VCF-style: chrX-31792117-C-T.
Other names: c.7478G>A, p.Gly2493Asp (NM_000109.4); c.7490G>A, p.Gly2497Asp (NM_004009.3); c.7133G>A, p.Gly2378Asp (NM_004010.3); c.3479G>A, p.Gly1160Asp (NM_004011.4); c.3470G>A, p.Gly1157Asp (NM_004012.4); c.122G>A, p.Gly41Asp (NM_004013.3, NM_004020.4, NM_004021.3 and 2 more transcripts); short protein forms G1157D, G1160D, G2501D, G2497D, G2378D, G2493D, G41D.
Identifiers: ClinVar variation 2859353 (VCV002859353.3), dbSNP rs775267736, ClinGen allele CA10378269.